The following is an entry in ClinVar:

NM_013432.5(TONSL):c.2464G>T (p.Ala822Ser)

Genes: TONSL (tonsoku like, DNA repair protein; minus strand), TONSL-AS1 (TONSL antisense RNA 1; plus strand). Cytogenetic location: 8q24.3.
Variant type: single nucleotide variant.
Coding change: c.2464G>T on transcript NM_013432.5 (MANE Select); coding-DNA position 2464, G replaced by T.
Protein change: p.Ala822Ser; replaces alanine 822 with serine.
Molecular consequence: missense variant.
Genome position (GRCh38, 1-based): chr8:144,435,969, C>A on the plus strand (G>T on the coding strand, the complement: TONSL is on the minus strand). VCF-style: chr8-144435969-C-A. GRCh37 (hg19) VCF-style: chr8-145661352-C-A.
Other names: short protein forms A822S.
Identifiers: ClinVar variation 2121527 (VCV002121527.1), dbSNP rs2537487838, ClinGen allele CA372655068.

ClinVar aggregate classification (germline): Uncertain significance (1 of 4 stars; one submission).

Submission:

Labcorp Genetics (formerly Invitae), Labcorp
Classification: Uncertain significance. Last evaluated: 2022-10-01. Review status: criteria provided, single submitter. Criteria: Invitae Variant Classification Sherloc (09022015). Collection method: clinical testing. Allele origin: germline.
Comment: This sequence change replaces alanine, which is neutral and non-polar, with serine, which is neutral and polar, at codon 822 of the TONSL protein (p.Ala822Ser). This variant is not present in population databases (gnomAD no frequency). This variant has not been reported in the literature in individuals affected with TONSL-related conditions. Advanced modeling of protein sequence and biophysical properties (such as structural, functional, and spatial information, amino acid conservation, physicochemical variation, residue mobility, and thermodynamic stability) performed at Invitae indicates that this missense variant is not expected to disrupt TONSL protein function. Algorithms developed to predict the effect of sequence changes on RNA splicing suggest that this variant may disrupt the consensus splice site. In summary, the available evidence is currently insufficient to determine the role of this variant in disease. Therefore, it has been classified as a Variant of Uncertain Significance.